The following is an entry in ClinVar:

ClinVar aggregate classification (germline): Conflicting classifications of pathogenicity. Review status: criteria provided, conflicting classifications (1 of 4 stars). 4 submissions from 4 submitters: Uncertain significance (1); Benign (1); Likely benign (2). Last evaluated 2024-10-24.

Conditions:
Birt-Hogg-Dube syndrome 1 (BHD1). Also called: FIBROFOLLICULOMAS WITH TRICHODISCOMAS AND ACROCHORDONS. Identifiers: Orphanet 122, MedGen CN375946, MONDO:0800445, OMIM 135150.
Birt-Hogg-Dube syndrome. Also called: Birt Hogg Dubé syndrome. Identifiers: Orphanet 122, MedGen C0346010, MONDO:0800444.
Hereditary cancer-predisposing syndrome. Also called: Hereditary neoplastic syndrome; Neoplastic Syndromes, Hereditary; Tumor predisposition; Hereditary Cancer Syndrome. Identifiers: Orphanet 140162, MedGen C0027672, MeSH D009386, MONDO:0015356.

Allele frequency attached by ClinVar (database versions not stated): gnomAD 0.00001.
gnomAD v4.1: 4 of 1,613,692 alleles (0.00025%); highest among the groups gnomAD compares: Non-Finnish European, 0.00034%; no homozygotes.

Submissions (4):

Myriad Genetics, Inc.
Classification: Benign for Birt-Hogg-Dube syndrome 1. Last evaluated: 2024-10-24. Review status: criteria provided, single submitter. Criteria: Myriad Autosomal Dominant, Autosomal Recessive and X-Linked Classification Criteria (2023). Collection method: clinical testing. Allele origin: unknown.
Comment: This variant is considered benign. This variant is a silent/synonymous amino acid change and it is not expected to impact splicing.

Labcorp Genetics (formerly Invitae), Labcorp
Classification: Likely benign for Birt-Hogg-Dube syndrome. Last evaluated: 2024-05-18. Review status: criteria provided, single submitter. Criteria: Invitae Variant Classification Sherloc (09022015). Collection method: clinical testing. Allele origin: germline.

GeneDx
Classification: Uncertain significance. Last evaluated: 2023-05-04. Review status: criteria provided, single submitter. Criteria: GeneDx Variant Classification Process June 2021. Collection method: clinical testing. Allele origin: germline. Affected: yes.
Comment: Not observed at significant frequency in large population cohorts (gnomAD); In silico analysis supports that this variant does not alter splicing; Has not been previously published as pathogenic or benign to our knowledge

Ambry Genetics
Classification: Likely benign for Hereditary cancer-predisposing syndrome. Last evaluated: 2022-01-18. Review status: criteria provided, single submitter. Criteria: Ambry Variant Classification Scheme 2023. Collection method: clinical testing. Allele origin: germline.

NM_144997.7(FLCN):c.1260C>G (p.Leu420=)

Gene: FLCN (folliculin; minus strand). Cytogenetic location: 17p11.2.
Variant type: single nucleotide variant.
Coding change: c.1260C>G on transcript NM_144997.7 (MANE Select); coding-DNA position 1260, C replaced by G.
Protein change: p.Leu420=; no amino-acid change (leucine 420 retained).
Molecular consequence: synonymous variant.
Genome position (GRCh38, 1-based): chr17:17,216,420, G>C on the plus strand (C>G on the coding strand, the complement: FLCN is on the minus strand). VCF-style: chr17-17216420-G-C. GRCh37 (hg19) VCF-style: chr17-17119734-G-C.
Other names: c.1314C>G, p.Leu438= (NM_001353229.2); c.1260C>G, p.Leu420= (NM_001353230.2, NM_001353231.2).
Identifiers: ClinVar variation 729575 (VCV000729575.14), dbSNP rs780571501, ClinGen allele CA498163253.